The following is an entry in ClinVar:

NM_005076.5(CNTN2):c.1888C>A (p.Arg630Ser)

Gene: CNTN2 (contactin 2; plus strand). Cytogenetic location: 1q32.1.
Variant type: single nucleotide variant.
Coding change: c.1888C>A on transcript NM_005076.5 (MANE Select); coding-DNA position 1888, C replaced by A.
Protein change: p.Arg630Ser; replaces arginine 630 with serine.
Molecular consequence: missense variant. On other transcripts: non-coding transcript variant (1).
Genome position (GRCh38, 1-based): chr1:205,066,512, C>A. VCF-style: chr1-205066512-C-A. GRCh37 (hg19) VCF-style: chr1-205035640-C-A.
Other names: c.1888C>A, p.Arg630Ser (NM_001346083.2); short protein forms R630S.
Identifiers: ClinVar variation 1465248 (VCV001465248.8), dbSNP rs574231253, ClinGen allele CA1351523.

ClinVar aggregate classification (germline): Uncertain significance (1 of 4 stars; one submission).

Conditions:
Epilepsy, familial adult myoclonic, 5 (EPEO5). Also called: CORTICAL MYOCLONIC TREMOR WITH EPILEPSY, FAMILIAL, 5. Identifiers: Orphanet 86814, MedGen C3809374, MONDO:0014167, OMIM 615400.

gnomAD v4.1: 7 of 1,613,946 alleles (0.00043%); highest among the groups gnomAD compares: African/African-American, 0.0067%; no homozygotes.

Submission:

Labcorp Genetics (formerly Invitae), Labcorp
Classification: Uncertain significance for Epilepsy, familial adult myoclonic, 5. Last evaluated: 2022-12-06. Review status: criteria provided, single submitter. Criteria: Invitae Variant Classification Sherloc (09022015). Collection method: clinical testing. Allele origin: germline.
Comment: In summary, the available evidence is currently insufficient to determine the role of this variant in disease. Therefore, it has been classified as a Variant of Uncertain Significance. Advanced modeling of protein sequence and biophysical properties (such as structural, functional, and spatial information, amino acid conservation, physicochemical variation, residue mobility, and thermodynamic stability) performed at Invitae indicates that this missense variant is not expected to disrupt CNTN2 protein function. ClinVar contains an entry for this variant (Variation ID: 1465248). This variant has not been reported in the literature in individuals affected with CNTN2-related conditions. The frequency data for this variant in the population databases is considered unreliable, as metrics indicate poor data quality at this position in the gnomAD database. This sequence change replaces arginine, which is basic and polar, with serine, which is neutral and polar, at codon 630 of the CNTN2 protein (p.Arg630Ser).